The following is an entry in ClinVar:

ClinVar aggregate classification (germline): Likely pathogenic (1 of 4 stars; one submission).

Conditions:
Long QT syndrome (LQTS). Identifiers: MedGen C0023976, MeSH D008133, MONDO:0002442. Disease mechanism: loss of function. Inheritance: Various modes of inheritance.

Submission:

Labcorp Genetics (formerly Invitae), Labcorp
Classification: Likely pathogenic for Long QT syndrome. Last evaluated: 2024-03-04. Review status: criteria provided, single submitter. Criteria: Invitae Variant Classification Sherloc (09022015). Collection method: clinical testing. Allele origin: germline.
Comment: This sequence change affects a donor splice site in intron 1 of the KCNQ1 gene. It is expected to disrupt RNA splicing. Variants that disrupt the donor or acceptor splice site typically lead to a loss of protein function (PMID: 16199547), and loss-of-function variants in KCNQ1 are known to be pathogenic (PMID: 9323054, 19862833). This variant is not present in population databases (gnomAD no frequency). This variant has not been reported in the literature in individuals affected with KCNQ1-related conditions. Algorithms developed to predict the effect of sequence changes on RNA splicing suggest that this variant may disrupt the consensus splice site. In summary, the currently available evidence indicates that the variant is pathogenic, but additional data are needed to prove that conclusively. Therefore, this variant has been classified as Likely Pathogenic.

Literature cited by the submitters: PubMed 16199547; PubMed 9323054; PubMed 19862833.

NM_000218.3(KCNQ1):c.386+2T>G

Gene: KCNQ1 (potassium voltage-gated channel subfamily Q member 1; plus strand). Cytogenetic location: 11p15.5.
Variant type: single nucleotide variant.
Coding change: c.386+2T>G on transcript NM_000218.3 (MANE Select); the canonical splice donor site of the intron after coding-DNA position 386, T replaced by G.
Molecular consequence: splice donor variant.
Genome position (GRCh38, 1-based): chr11:2,445,486, T>G. VCF-style: chr11-2445486-T-G. GRCh37 (hg19) VCF-style: chr11-2466716-T-G.
Other names: c.24+2T>G (NM_001406837.1); c.386+2T>G (NM_001406836.1, NM_001406838.1).
Identifiers: ClinVar variation 2748943 (VCV002748943.3), dbSNP rs2496743195, ClinGen allele CA379117895.